The following is an entry in ClinVar:

ClinVar aggregate classification (germline): Conflicting classifications of pathogenicity. Review status: criteria provided, conflicting classifications (1 of 4 stars). 7 submissions from 7 submitters: Uncertain significance (6); Likely benign (1). Last evaluated 2026-06-08.

Conditions:
Finnish congenital nephrotic syndrome (NPHS1). Also called: NEPHROTIC SYNDROME, TYPE 1. Identifiers: Orphanet 839, MedGen C0403399, MONDO:0009732, OMIM 256300.
Nephrotic syndrome, type 2 (NPHS2). Also called: NEPHROTIC SYNDROME, STEROID-RESISTANT, AUTOSOMAL RECESSIVE. Identifiers: Orphanet 656, MedGen C1868672, MONDO:0010974, OMIM 600995.
Focal segmental glomerulosclerosis (FSGS). Also called: Glomerulosclerosis, focal; Focal sclerosis with hyalinosis. Identifiers: MedGen C0017668, MONDO:0100313, HP:0000097. Disease mechanism: loss of function.

Allele frequency attached by ClinVar (database versions not stated): ESP Exome Variant Server 0.00008; gnomAD exomes 0.00012 and 0.00023; gnomAD 0.00015 and 0.00013; 1000 Genomes Project 30x 0.00016; 1000 Genomes Project 0.00020; ExAC 0.00015; TOPMed 0.00014.
gnomAD v4.1: 358 of 1,612,198 alleles (0.022%); highest among the groups gnomAD compares: Non-Finnish European, 0.027%; no homozygotes.

Submissions (7):

Women's Health and Genetics/Laboratory Corporation of America, LabCorp
Classification: Uncertain significance. Last evaluated: 2026-06-08. Review status: criteria provided, single submitter. Criteria: LabCorp Variant Classification Summary - May 2015. Collection method: clinical testing. Allele origin: germline.
Comment: Variant summary: NPHS1 c.2591G>A (p.Arg864His) results in a non-conservative amino acid change located in the Immunoglobulin subtype 2 domain (IPR003598) of the encoded protein sequence. Algorithms developed to predict the effect of missense changes on protein structure and function are either unavailable or do not agree on the potential impact of this missense change. The variant allele was found at a frequency of 0.00012 in 246238 control chromosomes. This frequency is not significantly higher than estimated for disease-causing variants in NPHS1, allowing no conclusion about variant significance. c.2591G>A has been reported in the literature in individuals affected with Nephrotic Syndrome (e.g. Sen_2017, Joshi_2021). These reports do not provide unequivocal conclusions about association of the variant with disease. To our knowledge, no experimental evidence demonstrating an impact on protein function has been reported. The following publications have been ascertained in the context of this evaluation (PMID: 33980730, 28780565). ClinVar contains an entry for this variant (Variation ID: 1524828). Based on the evidence outlined above, the variant was classified as uncertain significance.

Molecular Genetics McLendon Clinical Laboratories, University of North Carolina at Chapel Hill
Classification: Uncertain significance for Nephrotic syndrome, type 2. Last evaluated: 2025-05-08. Review status: criteria provided, single submitter. Criteria: ACMG Guidelines, 2015. Collection method: clinical testing. Allele origin: germline.

Blueprint Genetics
Classification: Likely benign. Last evaluated: 2024-04-19. Review status: criteria provided, single submitter. Criteria: ACMG Guidelines, 2015. Collection method: clinical testing. Allele origin: germline.

Fulgent Genetics
Classification: Uncertain significance for Finnish congenital nephrotic syndrome. Last evaluated: 2024-03-12. Review status: criteria provided, single submitter. Criteria: ACMG Guidelines, 2015. Collection method: clinical testing. Allele origin: germline.

Labcorp Genetics (formerly Invitae), Labcorp
Classification: Uncertain significance. Last evaluated: 2022-08-21. Review status: criteria provided, single submitter. Criteria: Invitae Variant Classification Sherloc (09022015). Collection method: clinical testing. Allele origin: germline.
Comment: This sequence change replaces arginine, which is basic and polar, with histidine, which is basic and polar, at codon 864 of the NPHS1 protein (p.Arg864His). This variant is present in population databases (rs143986233, gnomAD 0.02%). This missense change has been observed in individual(s) with steroid-resistant nephrotic syndrome (PMID: 28780565). ClinVar contains an entry for this variant (Variation ID: 1524828). Advanced modeling of protein sequence and biophysical properties (such as structural, functional, and spatial information, amino acid conservation, physicochemical variation, residue mobility, and thermodynamic stability) performed at Invitae indicates that this missense variant is expected to disrupt NPHS1 protein function. In summary, the available evidence is currently insufficient to determine the role of this variant in disease. Therefore, it has been classified as a Variant of Uncertain Significance.

Genome Diagnostics Laboratory, The Hospital for Sick Children
Classification: Uncertain significance for Focal segmental glomerulosclerosis. Last evaluated: 2021-04-21. Review status: criteria provided, single submitter. Criteria: ACMG Guidelines, 2015. Collection method: clinical testing. Allele origin: germline.

Breakthrough Genomics
Classification: Uncertain significance. Review status: criteria provided, single submitter. Criteria: ACMG Guidelines, 2015. Collection method: not provided. Allele origin: germline. Inheritance: Autosomal dominant inheritance. Affected: yes.

Literature cited by the submitters: PubMed 28780565 (cited by 3 submitters); PubMed 33980730 (cited by Women's Health and Genetics/Laboratory Corporation of America, LabCorp).

NM_004646.4(NPHS1):c.2591G>A (p.Arg864His)

Gene: NPHS1 (NPHS1 adhesion molecule, nephrin; minus strand). Cytogenetic location: 19q13.12.
Variant type: single nucleotide variant.
Coding change: c.2591G>A on transcript NM_004646.4 (MANE Select); coding-DNA position 2591, G replaced by A.
Protein change: p.Arg864His; replaces arginine 864 with histidine.
Molecular consequence: missense variant.
Genome position (GRCh38, 1-based): chr19:35,842,196, C>T on the plus strand (G>A on the coding strand, the complement: NPHS1 is on the minus strand). VCF-style: chr19-35842196-C-T. GRCh37 (hg19) VCF-style: chr19-36333098-C-T.
Other names: short protein forms R864H.
Identifiers: ClinVar variation 1524828 (VCV001524828.11), dbSNP rs143986233, ClinGen allele CA9390084.